The following is an entry in ClinVar:

ClinVar aggregate classification (germline): Likely benign. Review status: criteria provided, multiple submitters, no conflicts (2 of 4 stars). 4 submissions from 4 submitters: Likely benign (4). Last evaluated 2025-10-09.

Conditions:
Joubert syndrome. Also called: JOUBERT-BOLTSHAUSER SYNDROME; Familial aplasia of the vermis. Identifiers: Orphanet 475, MedGen C5979921, MONDO:0018772.
Meckel-Gruber syndrome. Also called: DYSENCEPHALIA SPLANCHNOCYSTICA; GRUBER SYNDROME; Dysencephalia splachnocystica. Identifiers: Orphanet 564, MedGen C0265215, MONDO:0018921.

Allele frequency attached by ClinVar (database versions not stated): ExAC 0.00002; gnomAD exomes 0.00002; gnomAD 0.00003 and 0.00004; TOPMed 0.00003.
gnomAD v4.1: 31 of 1,614,142 alleles (0.0019%); highest among the groups gnomAD compares: Non-Finnish European, 0.0025%; no homozygotes.

Submissions (4):

Labcorp Genetics (formerly Invitae), Labcorp
Classification: Likely benign for Joubert syndrome; Meckel-Gruber syndrome. Last evaluated: 2025-10-09. Review status: criteria provided, single submitter. Criteria: Invitae Variant Classification Sherloc (09022015). Collection method: clinical testing. Allele origin: germline.

Laboratory of Genetics, Children's Clinical University Hospital Latvia
Classification: Likely benign. Last evaluated: 2025-02-16. Review status: criteria provided, single submitter. Criteria: ACMG Guidelines, 2015. Collection method: clinical testing. Allele origin: germline. Affected: yes.

Blueprint Genetics
Classification: Likely benign. Last evaluated: 2024-01-15. Review status: criteria provided, single submitter. Criteria: ACMG Guidelines, 2015. Collection method: clinical testing. Allele origin: germline.

CeGaT Center for Human Genetics Tuebingen
Classification: Likely benign. Last evaluated: 2022-08-01. Review status: criteria provided, single submitter. Criteria: CeGaT Center For Human Genetics Tuebingen Variant Classification Criteria Version 2. Collection method: clinical testing. Allele origin: germline. Affected: yes. Observed: 1 variant allele.
Comment: TCTN1: BP4, BP7

NM_001082538.3(TCTN1):c.1095T>C (p.His365=)

Gene: TCTN1 (tectonic family member 1; plus strand). Cytogenetic location: 12q24.11.
Variant type: single nucleotide variant.
Coding change: c.1095T>C on transcript NM_001082538.3 (MANE Select); coding-DNA position 1095, T replaced by C.
Protein change: p.His365=; no amino-acid change (histidine 365 retained).
Molecular consequence: synonymous variant. On other transcripts: non-coding transcript variant (1).
Genome position (GRCh38, 1-based): chr12:110,641,140, T>C. VCF-style: chr12-110641140-T-C. GRCh37 (hg19) VCF-style: chr12-111078945-T-C.
Other names: c.1095T>C, p.His365= (NM_001082537.3, NM_001319680.2); c.927T>C, p.His309= (NM_001173975.3); c.915T>C, p.His305= (NM_001173976.2); c.561T>C, p.His187= (NM_001319681.2); c.1053T>C, p.His351= (NM_024549.6).
Identifiers: ClinVar variation 215780 (VCV000215780.37), dbSNP rs767963074, ClinGen allele CA335764.